The following is an entry in ClinVar:

NM_000263.4(NAGLU):c.457G>A (p.Glu153Lys)

Gene: NAGLU (N-acetyl-alpha-glucosaminidase; plus strand). Cytogenetic location: 17q21.2.
Variant type: single nucleotide variant.
Coding change: c.457G>A on transcript NM_000263.4 (MANE Select); coding-DNA position 457, G replaced by A.
Protein change: p.Glu153Lys; replaces glutamic acid 153 with lysine.
Molecular consequence: missense variant.
Genome position (GRCh38, 1-based): chr17:42,537,471, G>A. VCF-style: chr17-42537471-G-A. GRCh37 (hg19) VCF-style: chr17-40689489-G-A.
Other names: short protein forms E153K.
Identifiers: ClinVar variation 1067431 (VCV001067431.11), dbSNP rs1352416909, ClinGen allele CA399598146.

ClinVar aggregate classification (germline): Pathogenic. Review status: criteria provided, multiple submitters, no conflicts (2 of 4 stars). 3 submissions from 3 submitters: Pathogenic (2). 1 of the submissions does not count toward it. Last evaluated 2024-01-19.

Conditions:
Mucopolysaccharidosis, MPS-III-B (MPS3B). Also called: MPS IIIB (Sanfilippo Syndrome Type B); MUCOPOLYSACCHARIDOSIS, TYPE IIIB; Mucopolysaccharidosis type IIIB (Sanfilippo B); N-ACETYL-ALPHA-D-GLUCOSAMINIDASE DEFICIENCY; NAGLU DEFICIENCY; SANFILIPPO SYNDROME B. Identifiers: Orphanet 79270, MedGen C0086648, MONDO:0009656, OMIM 252920.
Charcot-Marie-Tooth disease axonal type 2V. Also called: CHARCOT-MARIE-TOOTH NEUROPATHY, TYPE 2V; CHARCOT-MARIE-TOOTH DISEASE, AXONAL, AUTOSOMAL DOMINANT, TYPE 2V. Identifiers: Orphanet 447964, MedGen C5569050, MONDO:0014665, OMIM 616491.

Submissions (3):

Fulgent Genetics
Classification: Pathogenic for Mucopolysaccharidosis, MPS-III-B; Charcot-Marie-Tooth disease axonal type 2V. Last evaluated: 2024-01-19. Review status: criteria provided, single submitter. Criteria: ACMG Guidelines, 2015. Collection method: clinical testing. Allele origin: germline.

Labcorp Genetics (formerly Invitae), Labcorp
Classification: Pathogenic for Charcot-Marie-Tooth disease axonal type 2V; Mucopolysaccharidosis, MPS-III-B. Last evaluated: 2023-10-26. Review status: criteria provided, single submitter. Criteria: Invitae Variant Classification Sherloc (09022015). Collection method: clinical testing. Allele origin: germline.
Comment: This sequence change replaces glutamic acid, which is acidic and polar, with lysine, which is basic and polar, at codon 153 of the NAGLU protein (p.Glu153Lys). This variant is not present in population databases (gnomAD no frequency). This missense change has been observed in individual(s) with NAGLU-related conditions (PMID: 9443878, 11793481, 31236806). ClinVar contains an entry for this variant (Variation ID: 1067431). Advanced modeling of protein sequence and biophysical properties (such as structural, functional, and spatial information, amino acid conservation, physicochemical variation, residue mobility, and thermodynamic stability) performed at Invitae indicates that this missense variant is expected to disrupt NAGLU protein function with a positive predictive value of 95%. Experimental studies have shown that this missense change affects NAGLU function (PMID: 9443878, 29979746). For these reasons, this variant has been classified as Pathogenic.

Natera, Inc.
Classification: Likely pathogenic for Mucopolysaccharidosis type IIIB. Last evaluated: 2020-10-30. Review status: no assertion criteria provided. Collection method: clinical testing. Allele origin: germline. Not counted in ClinVar's aggregate classification.

Literature cited by the submitters: PubMed 9443878 (cited by Labcorp Genetics (formerly Invitae), Labcorp); PubMed 11793481 (cited by Labcorp Genetics (formerly Invitae), Labcorp); PubMed 31236806 (cited by Labcorp Genetics (formerly Invitae), Labcorp); PubMed 29979746 (cited by Labcorp Genetics (formerly Invitae), Labcorp).